The following is an entry in ClinVar:

ClinVar aggregate classification (germline): Uncertain significance (1 of 4 stars; one submission).

Allele frequency attached by ClinVar (database versions not stated): gnomAD exomes below 0.00001.
gnomAD v4.1: 2 of 1,613,340 alleles (0.00012%); highest among the groups gnomAD compares: South Asian, 0.0011%; no homozygotes.

Submission:

GeneDx
Classification: Uncertain significance. Last evaluated: 2017-01-24. Review status: criteria provided, single submitter. Criteria: GeneDx Variant Classification (06012015). Collection method: clinical testing. Allele origin: germline. Affected: yes.
Comment: The P381T variant in the CFH gene has not been reported previously as a pathogenic variant, nor as a benign variant, to our knowledge. The P381T variant was not observed in approximately 6,500 individuals of European and African American ancestry in the NHLBI Exome Sequencing Project, indicating it is not a common benign variant in these populations. The P381T variant is a non-conservative amino acid substitution, which is likely to impact secondary protein structure as these residues differ in polarity, charge, size and/or other properties. This substitution occurs at a position that is conserved in mammals. In silico analysis is inconsistent in its predictions as to whether or not the variant is damaging to the protein structure/function. We interpret P381T as a variant of uncertain significance.

NM_000186.4(CFH):c.1141C>A (p.Pro381Thr)

Gene: CFH (complement factor H; plus strand). Cytogenetic location: 1q31.3.
Variant type: single nucleotide variant.
Coding change: c.1141C>A on transcript NM_000186.4 (MANE Select); coding-DNA position 1141, C replaced by A.
Protein change: p.Pro381Thr; replaces proline 381 with threonine.
Molecular consequence: missense variant.
Genome position (GRCh38, 1-based): chr1:196,689,596, C>A. VCF-style: chr1-196689596-C-A. GRCh37 (hg19) VCF-style: chr1-196658726-C-A.
Other names: c.1141C>A, p.Pro381Thr (NM_001014975.3); short protein forms P381T.
Identifiers: ClinVar variation 392888 (VCV000392888.2), dbSNP rs1057524682, ClinGen allele CA16603495.